The following is an entry in ClinVar:

NM_001323289.2(CDKL5):c.1790dup (p.Tyr598fs)

Gene: CDKL5 (cyclin dependent kinase like 5; plus strand). Cytogenetic location: Xp22.13.
Variant type: Duplication.
Coding change: c.1790dup on transcript NM_001323289.2 (MANE Select); coding-DNA position 1790, one base duplicated (G; older notation c.1790dupG).
Protein change: p.Tyr598fs; shifts the reading frame from tyrosine 598.
Molecular consequence: frameshift variant.
Genome position (GRCh38, 1-based): chrX:18,604,714, G duplicated; the last of 3 consecutive G bases (chrX:18,604,712-18,604,714); duplicating any one gives the same sequence. VCF-style (leftmost placement, unchanged base first): chrX-18604711-T-TG. GRCh37 (hg19) VCF-style: chrX-18622831-T-TG.
Other names: NM_003159.3:c.1790dup; c.1790dup, p.Tyr598fs (NM_001037343.2, NM_003159.3); short protein forms Y598fs.
Identifiers: ClinVar variation 3343987 (VCV003343987.1).

ClinVar aggregate classification (germline): Pathogenic (1 of 4 stars; one submission).

Conditions:
CDKL5 disorder. Identifiers: MedGen CN296942, MONDO:0100039.

Submission:

Centre for Population Genomics, CPG
Classification: Pathogenic for CDKL5 disorder. Last evaluated: 2024-08-23. Review status: criteria provided, single submitter. Criteria: McKnight et al. (Hum Mutat. 2022). Collection method: curation. Allele origin: germline. Inheritance: X-linked inheritance.
Comment: This variant has been collected from RettBASE and curated to current modified ACMG/AMP criteria. Based on the classification scheme defined by the ClinGen Rett/Angelman-like Expert Panel for Rett/AS-like Disorders Specifications to the ACMG/AMP Variant Interpretation Guidelines VCEP 3.0, this variant is classified as pathogenic. At least the following criteria are met: Predicted to result in loss of function, and LOF is a known mechanism of disease (PVS1). This variant is absent from gnomAD v4 (PM2_Supporting). Has been observed in at least 2 individuals with phenotypes consistent with CDKL5 disorder (PS4_Supporting). PMID 24564546 PMID 27779742